The following is an entry in ClinVar:

NM_001368882.1(COL13A1):c.750+4G>A

Gene: COL13A1 (collagen type XIII alpha 1 chain; plus strand). Cytogenetic location: 10q22.1.
Variant type: single nucleotide variant.
Coding change: c.750+4G>A on transcript NM_001368882.1 (MANE Select); 4 bases into the intron after coding-DNA position 750, G replaced by A.
Molecular consequence: intron variant.
Genome position (GRCh38, 1-based): chr10:69,898,766, G>A. VCF-style: chr10-69898766-G-A. GRCh37 (hg19) VCF-style: chr10-71658522-G-A.
Other names: c.750+4G>A (NM_001320951.2, NM_001368884.1); c.780+4G>A (NM_001130103.2); c.714+1235G>A (NM_080801.4, NM_080802.4); c.723+4G>A (NM_080800.4); c.150+4G>A (NM_001368886.1); c.714+4G>A (NM_001368883.1, NM_001368885.1); c.627+1235G>A (NM_080805.4); c.636+4G>A (NM_001368897.1); and 2 more.
Identifiers: ClinVar variation 1462097 (VCV001462097.6), dbSNP rs2134995531, ClinGen allele CA2573145328.

ClinVar aggregate classification (germline): Uncertain significance (1 of 4 stars; one submission).

Allele frequency attached by ClinVar (database versions not stated): gnomAD exomes below 0.00001.
gnomAD v4.1: 1 of 1,611,296 alleles (0.000062%); highest among the groups gnomAD compares: Non-Finnish European, 0.000085%; no homozygotes.

Submission:

Labcorp Genetics (formerly Invitae), Labcorp
Classification: Uncertain significance. Last evaluated: 2021-08-04. Review status: criteria provided, single submitter. Criteria: Invitae Variant Classification Sherloc (09022015). Collection method: clinical testing. Allele origin: germline.
Comment: This variant has not been reported in the literature in individuals affected with COL13A1-related conditions. This sequence change falls in intron 14 of the COL13A1 gene. It does not directly change the encoded amino acid sequence of the COL13A1 protein. It affects a nucleotide within the consensus splice site of the intron. This variant is not present in population databases (ExAC no frequency). Nucleotide substitutions within the consensus splice site are a relatively common cause of aberrant splicing (PMID: 17576681, 9536098). Algorithms developed to predict the effect of sequence changes on RNA splicing suggest that this variant may create or strengthen a splice site. In summary, the available evidence is currently insufficient to determine the role of this variant in disease. Therefore, it has been classified as a Variant of Uncertain Significance.

Literature cited by the submitters: PubMed 17576681; PubMed 9536098.